The following is an entry in ClinVar:

ClinVar aggregate classification (germline): Uncertain significance (1 of 4 stars; one submission).

Allele frequency attached by ClinVar (database versions not stated): gnomAD exomes below 0.00001; ExAC 0.00001; gnomAD 0.00001; TOPMed 0.00001.

Submission:

Labcorp Genetics (formerly Invitae), Labcorp
Classification: Uncertain significance. Last evaluated: 2021-09-01. Review status: criteria provided, single submitter. Criteria: Invitae Variant Classification Sherloc (09022015). Collection method: clinical testing. Allele origin: germline.
Comment: This sequence change replaces cysteine with serine at codon 83 of the CFAP298 protein (p.Cys83Ser). The cysteine residue is highly conserved and there is a moderate physicochemical difference between cysteine and serine. This variant is present in population databases (rs758749024, ExAC 0.001%). This variant has not been reported in the literature in individuals affected with CFAP298-related conditions. Algorithms developed to predict the effect of missense changes on protein structure and function are either unavailable or do not agree on the potential impact of this missense change (SIFT: "Deleterious"; PolyPhen-2: "Benign"; Align-GVGD: "Class C65"). In summary, the available evidence is currently insufficient to determine the role of this variant in disease. Therefore, it has been classified as a Variant of Uncertain Significance.

NM_021254.4(CFAP298):c.248G>C (p.Cys83Ser)

Genes: CFAP298 (cilia and flagella associated protein 298; minus strand), CFAP298-TCP10L (CFAP298-TCP10L readthrough; minus strand). Cytogenetic location: 21q22.11.
Variant type: single nucleotide variant.
Coding change: c.248G>C on transcript NM_021254.4 (MANE Select); coding-DNA position 248, G replaced by C.
Protein change: p.Cys83Ser; replaces cysteine 83 with serine.
Molecular consequence: missense variant. On other transcripts: non-coding transcript variant (2).
Genome position (GRCh38, 1-based): chr21:32,609,897, C>G on the plus strand (G>C on the coding strand, the complement: CFAP298 is on the minus strand). VCF-style: chr21-32609897-C-G. GRCh37 (hg19) VCF-style: chr21-33982207-C-G.
Other names: c.248G>C, p.Cys83Ser (NM_001350338.2, NM_001350335.2, NM_001350336.2 and 1 more transcripts); c.19G>C, p.Ala7Pro (NM_001350334.2); short protein forms C83S, A7P.
Identifiers: ClinVar variation 656957 (VCV000656957.8), dbSNP rs758749024, ClinGen allele CA10002937.